The following is an entry in ClinVar:

ClinVar aggregate classification (germline): Likely pathogenic. Review status: criteria provided, multiple submitters, no conflicts (2 of 4 stars). 3 submissions from 3 submitters: Likely pathogenic (2). 1 of the submissions does not count toward it. Last evaluated 2025-01-04.

Conditions:
Megalencephalic leukoencephalopathy with subcortical cysts 1 (MLC1). Also called: LEUKOENCEPHALOPATHY WITH SWELLING AND CYSTS; VACUOLATING MEGALENCEPHALIC LEUKOENCEPHALOPATHY WITH SUBCORTICAL CYSTS. Identifiers: Orphanet 2478, MedGen C5779875, MONDO:0024555, OMIM 604004.
Megalencephalic leukoencephalopathy with subcortical cysts. Also called: VAN DER KNAAP DISEASE. Identifiers: Orphanet 2478, MedGen C1858854, MONDO:0011391.

Allele frequency attached by ClinVar (database versions not stated): TOPMed below 0.00001.

Submissions (3):

Natera, Inc.
Classification: Likely pathogenic for Megalencephalic leukoencephalopathy with subcortical cysts. Last evaluated: 2025-01-04. Review status: criteria provided, single submitter. Criteria: Natera Variant Classification Schema (03/2026). Collection method: clinical testing. Allele origin: germline.
Comment: The c.1059+1G>A variant in MLC1 is a canonical splice donor site variant predicted to affect pre-mRNA splicing, which may result in an abnormal transcript and altered protein product. This variant is expected to result in nonsense mediated decay, truncation, or a dysfunctional protein product. This variant is rare in the general population with a frequency below the threshold expected for the associated phenotype(s). Given the available evidence, this variant is classified as Likely Pathogenic.

Fulgent Genetics
Classification: Likely pathogenic for Megalencephalic leukoencephalopathy with subcortical cysts 1. Last evaluated: 2023-12-28. Review status: criteria provided, single submitter. Criteria: ACMG Guidelines, 2015. Collection method: clinical testing. Allele origin: germline.

Counsyl
Classification: Likely pathogenic for Megalencephalic leukoencephalopathy with subcortical cysts 1. Last evaluated: 2018-05-22. Review status: no assertion criteria provided. Collection method: clinical testing. Allele origin: unknown. Not counted in ClinVar's aggregate classification.

NM_015166.4(MLC1):c.1059+1G>A

Gene: MLC1 (modulator of VRAC current 1; minus strand). Cytogenetic location: 22q13.33.
Variant type: single nucleotide variant.
Coding change: c.1059+1G>A on transcript NM_015166.4 (MANE Select); the canonical splice donor site of the intron after coding-DNA position 1059, G replaced by A.
Molecular consequence: splice donor variant.
Genome position (GRCh38, 1-based): chr22:50,064,033, C>T on the plus strand (G>A on the coding strand, the complement: MLC1 is on the minus strand). VCF-style: chr22-50064033-C-T. GRCh37 (hg19) VCF-style: chr22-50502462-C-T.
Other names: c.1059+1G>A (NM_001376474.1, NM_001376475.1, NM_001376476.1 and 5 more transcripts); c.822+1G>A (NM_001376484.1); c.969+1G>A (NM_001376480.1); c.903+1G>A (NM_001376482.1, NM_001376483.1); c.957+1G>A (NM_001376481.1); c.1002+1G>A (NM_001376479.1).
Identifiers: ClinVar variation 558425 (VCV000558425.4), dbSNP rs1555963392, ClinGen allele CA412105406.